The following is an entry in ClinVar:

NM_032490.5(GON7):c.87T>C (p.Pro29=)

Gene: GON7 (GON7 subunit of KEOPS complex; minus strand). Cytogenetic location: 14q32.12.
Variant type: single nucleotide variant.
Coding change: c.87T>C on transcript NM_032490.5 (MANE Select); coding-DNA position 87, T replaced by C.
Protein change: p.Pro29=; no amino-acid change (proline 29 retained).
Molecular consequence: synonymous variant.
Genome position (GRCh38, 1-based): chr14:93,206,951, A>G on the plus strand (T>C on the coding strand, the complement: GON7 is on the minus strand). VCF-style: chr14-93206951-A-G. GRCh37 (hg19) VCF-style: chr14-93673296-A-G.
Identifiers: ClinVar variation 3031784 (VCV003031784.2), dbSNP rs200749263, ClinGen allele CA7319655.

ClinVar aggregate classification (germline): Likely benign (0 of 4 stars; one submission).

Conditions:
GON7-related disorder. Also called: GON7-related condition.

Allele frequency attached by ClinVar (database versions not stated): ExAC 0.00006; TOPMed 0.00010; gnomAD 0.00011; gnomAD exomes 0.00014.
gnomAD v4.1: 211 of 1,614,102 alleles (0.013%); highest among the groups gnomAD compares: Non-Finnish European, 0.017%; no homozygotes.

Submission:

PreventionGenetics, part of Exact Sciences
Classification: Likely benign for GON7-related condition. Last evaluated: 2022-03-31. Review status: no assertion criteria provided. Collection method: clinical testing. Allele origin: germline.
Comment: This variant is classified as likely benign based on ACMG/AMP sequence variant interpretation guidelines (Richards et al. 2015 PMID: 25741868, with internal and published modifications).